The following is an entry in ClinVar:

ClinVar aggregate classification (germline): Uncertain significance (1 of 4 stars; one submission).

Conditions:
Dejerine-Sottas disease. Also called: DEJERINE-SOTTAS NEUROPATHY; HEREDITARY MOTOR AND SENSORY NEUROPATHY TYPE III; HMSN Type III; Hereditary motor and sensory neuropathy 3; Charcot-Marie-Tooth disease type 3. Identifiers: Orphanet 64748, MedGen C0011195, MONDO:0007790, OMIM 145900.

Submission:

Dasa
Classification: Uncertain significance for Charcot-Marie-Tooth disease type 3. Last evaluated: 2025-09-28. Review status: criteria provided, single submitter. Criteria: DASA Assertion Criteria. Collection method: clinical testing. Allele origin: germline.
Comment: NM_000530.8(MPZ):c.391A>G (p.Asn131Asp) is a missense variant that results in the substitution of asparagine with aspartic acid. The affected residue or protein region has prior evidence supporting clinical relevance. This variant is absent from population databases. Computational prediction algorithms are consistent with a deleterious effect. The currently available literature and clinical evidence are not sufficient to establish a definitive association between this variant and the reported condition. Therefore, this variant is classified as a variant of uncertain significance.

NM_000530.8(MPZ):c.391A>G (p.Asn131Asp)

Gene: MPZ (myelin protein zero; minus strand). Cytogenetic location: 1q23.3.
Variant type: single nucleotide variant.
Coding change: c.391A>G on transcript NM_000530.8 (MANE Select); coding-DNA position 391, A replaced by G.
Protein change: p.Asn131Asp; replaces asparagine 131 with aspartic acid.
Molecular consequence: missense variant.
Genome position (GRCh38, 1-based): chr1:161,306,765, T>C on the plus strand (A>G on the coding strand, the complement: MPZ is on the minus strand). VCF-style: chr1-161306765-T-C. GRCh37 (hg19) VCF-style: chr1-161276555-T-C.
Other names: c.391A>G, p.Asn131Asp (NM_001315491.2); short protein forms N131D.
Identifiers: ClinVar variation 4881592 (VCV004881592.2).
Genomic context (GRCh38, chr1:161,306,765, plus strand): 5'-CACCTTTTTCAAAGACATACAGCGTGACCTGAGAGGTCTTGCCCACTATGTCTGGAGGGT[T>C]TTTGACGTCACAAGTGAACGTGCCATTGTCACTGTAGTCTAGGTTGTGTATGACAATGGA-3'
Protein context (NP_000521.2, residues 121-141): DNGTFTCDVK[Asn131Asp]PPDIVGKTSQ